The following is an entry in ClinVar:

NM_001145358.2(SIN3A):c.377C>T (p.Ala126Val)

Gene: SIN3A (SIN3 transcription regulator family member A; minus strand). Cytogenetic location: 15q24.2.
Variant type: single nucleotide variant.
Coding change: c.377C>T on transcript NM_001145358.2 (MANE Select); coding-DNA position 377, C replaced by T.
Protein change: p.Ala126Val; replaces alanine 126 with valine.
Molecular consequence: missense variant.
Genome position (GRCh38, 1-based): chr15:75,414,301, G>A on the plus strand (C>T on the coding strand, the complement: SIN3A is on the minus strand). VCF-style: chr15-75414301-G-A. GRCh37 (hg19) VCF-style: chr15-75706642-G-A.
Other names: c.377C>T, p.Ala126Val (NM_001145357.2, NM_015477.3); short protein forms A126V.
Identifiers: ClinVar variation 1705192 (VCV001705192.1), dbSNP rs2542707982, ClinGen allele CA393454017.
Genomic context (GRCh38, chr15:75,414,301, plus strand): 5'-TCATTGTAGACCTGAGGCTGACTACCAAACTGCAGCTTCACCTGGTCAAGATAAGATAGC[G>A]CATCCTCCACCTGAGGCAGGGATAAATATCAAGGTTATAAAAAGAAAGTAAGCTCATAAT-3'
Protein context (NP_001138830.1, residues 116-136): QQFQRLKVED[Ala126Val]LSYLDQVKLQ

ClinVar aggregate classification (germline): Uncertain significance (1 of 4 stars; one submission).

Allele frequency attached by ClinVar (database versions not stated): gnomAD exomes below 0.00001.
gnomAD v4.1: 1 of 1,499,476 alleles (0.000067%); highest among the groups gnomAD compares: South Asian, 0.0014%; no homozygotes.

Submission:

Women's Health and Genetics/Laboratory Corporation of America, LabCorp
Classification: Uncertain significance. Last evaluated: 2022-08-24. Review status: criteria provided, single submitter. Criteria: LabCorp Variant Classification Summary - May 2015. Collection method: clinical testing. Allele origin: germline.
Comment: Variant summary: SIN3A c.377C>T (p.Ala126Val) results in a non-conservative amino acid change located in the first paired amphipathic helix repeat (IPR003822) of the encoded protein sequence. Five of five in-silico tools predict a damaging effect of the variant on protein function. The variant was absent in 231358 control chromosomes (gnomAD). The available data on variant occurrences in the general population are insufficient to allow any conclusion about variant significance. c.377C>T has been reported in the literature in at-least one individual as a de novo occurrence, who was affected with symptoms falling into the spectrum of SIN3A-related disorders (McRae_2017, Turner_2019, and Balasubramanian_2021). These data do not allow clear conclusions about variant significance. To our knowledge, no experimental evidence demonstrating an impact on protein function has been reported. However, the variant is located in an evolutionarily highly conserved region (Aminode; PMID: 29358731), suggesting that this region might be important for protein function. In addition, advanced in silico modeling suggests that the variant might have a functional consequence on protein structure (Balasubramanian_2021). No clinical diagnostic laboratories have submitted clinical-significance assessments for this variant to ClinVar after 2014. Based on the evidence outlined above, the variant was classified as VUS-possibly pathogenic.

Literature cited by the submitters: PubMed 31785789; PubMed 33437032.